The following is an entry in ClinVar:

NM_014516.4(CNOT3):c.940_941delinsG (p.Pro314fs)

Gene: CNOT3 (CCR4-NOT transcription complex subunit 3; plus strand). Cytogenetic location: 19q13.42.
Variant type: Indel.
Coding change: c.940_941delinsG on transcript NM_014516.4 (MANE Select); coding-DNA positions 940 to 941, CC replaced by G.
Protein change: p.Pro314fs; shifts the reading frame from proline 314.
Molecular consequence: frameshift variant.
Genome position (GRCh38, 1-based): chr19:54,148,193-54,148,194, CC replaced by G. VCF-style: chr19-54148193-CC-G. GRCh37 (hg19) VCF-style: chr19-54651928-CC-G.
Other names: short protein forms P314fs.
Identifiers: ClinVar variation 3767113 (VCV003767113.2).

ClinVar aggregate classification (germline): Likely pathogenic (1 of 4 stars; one submission).

Conditions:
Intellectual developmental disorder with speech delay, autism, and dysmorphic facies. Identifiers: MedGen C5231456, MONDO:0032864, OMIM 618672.

Submission:

Juno Genomics, Hangzhou Juno Genomics, Inc
Classification: Likely pathogenic for Intellectual developmental disorder with speech delay, autism, and dysmorphic facies. Review status: criteria provided, single submitter. Criteria: ACMG Guidelines, 2015. Collection method: clinical testing. Allele origin: germline. Affected: yes.
Comment: Absent from controls (or at extremely low frequency if recessive) in Genome Aggregation Database, Exome Sequencing Project, 1000 Genomes Project, or Exome Aggregation Consortium.;Null variant in a gene where loss of function (LOF) is a known mechanism of disease.